The following is an entry in ClinVar:

NM_017872.5(THG1L):c.526C>T (p.Arg176Ter)

Gene: THG1L (tRNA-histidine guanylyltransferase 1 like; plus strand). Cytogenetic location: 5q33.3.
Variant type: single nucleotide variant.
Coding change: c.526C>T on transcript NM_017872.5 (MANE Select); coding-DNA position 526, C replaced by T.
Protein change: p.Arg176Ter; replaces arginine 176 with a stop codon.
Molecular consequence: nonsense.
Genome position (GRCh38, 1-based): chr5:157,734,733, C>T. VCF-style: chr5-157734733-C-T. GRCh37 (hg19) VCF-style: chr5-157161741-C-T.
Other names: NC_000005.9:g.157161741C>T; c.130C>T, p.Arg44Ter (NM_001317824.2); c.151C>T, p.Arg51Ter (NM_001317825.2); c.340C>T, p.Arg114Ter (NM_001317826.2); short protein forms R114*, R176*, R44*, R51*.
Identifiers: ClinVar variation 3340281 (VCV003340281.2).

ClinVar aggregate classification (germline): Uncertain significance (1 of 4 stars; one submission).

gnomAD v4.1: 55 of 1,613,978 alleles (0.0034%); highest among the groups gnomAD compares: Non-Finnish European, 0.0043%; no homozygotes.

Submissions (2):

GeneDx
Classification: Uncertain significance. Last evaluated: 2023-11-12. Review status: criteria provided, single submitter. Criteria: GeneDx Variant Classification Process June 2021. Collection method: clinical testing. Allele origin: germline. Affected: yes.
Comment: Identified heterozygous in an individual with schizophrenia, however additional clinical information was not provided and a second THG1L variant was not reported (PMID: 27694994); Nonsense variant predicted to result in protein truncation or nonsense mediated decay in a gene for which loss-of-function is not an established mechanism of disease; This variant is associated with the following publications: (PMID: 27694994)

Dr. Peter K. Rogan Lab, Western University
No classification provided (evidence only). Condition: Pancreatic adenocarcinoma. Review status: no classification provided. Collection method: in vitro. Allele origin: not applicable. Functional consequence: skipped exon, retained intron. Not counted in ClinVar's aggregate classification.